The following is an entry in ClinVar:

ClinVar aggregate classification (germline): Likely benign. Review status: criteria provided, multiple submitters, no conflicts (2 of 4 stars). 7 submissions from 7 submitters: Likely benign (7). Last evaluated 2025-08-22.

Conditions:
Familial thoracic aortic aneurysm and aortic dissection (TAAD). Also called: Thoracic aortic aneurysms and dissections. Identifiers: Orphanet 91387, MedGen C4707243, MONDO:0019625.
Marfan syndrome (MFS). Also called: Marfan's syndrome; MARFAN SYNDROME, TYPE I; Marfan syndrome type 1; FBN1-Related Marfan Syndrome; Marfan syndrome, classic. Identifiers: Orphanet 284963, Orphanet 558, MedGen C0024796, MONDO:0007947, OMIM 154700.

Allele frequency attached by ClinVar (database versions not stated): ExAC 0.00001; TOPMed 0.00001; gnomAD 0.00002 and 0.00003; gnomAD exomes 0.00002; ESP Exome Variant Server 0.00008; 1000 Genomes Project 30x 0.00016; 1000 Genomes Project 0.00020.
gnomAD v4.1: 40 of 1,614,174 alleles (0.0025%); highest among the groups gnomAD compares: South Asian, 0.0033%; no homozygotes.

Submissions (7):

Labcorp Genetics (formerly Invitae), Labcorp
Classification: Likely benign for Marfan syndrome; Familial thoracic aortic aneurysm and aortic dissection. Last evaluated: 2025-08-22. Review status: criteria provided, single submitter. Criteria: Invitae Variant Classification Sherloc (09022015). Collection method: clinical testing. Allele origin: germline.

Molecular Diagnostic Laboratory for Inherited Cardiovascular Disease, Montreal Heart Institute
Classification: Likely benign. Last evaluated: 2025-04-09. Review status: criteria provided, single submitter. Criteria: ACMG Guidelines, 2015. Collection method: clinical testing. Allele origin: germline. Affected: no.

CeGaT Center for Human Genetics Tuebingen
Classification: Likely benign. Last evaluated: 2024-08-01. Review status: criteria provided, single submitter. Criteria: CeGaT Center For Human Genetics Tuebingen Variant Classification Criteria Version 2. Collection method: clinical testing. Allele origin: germline. Affected: yes. Observed: 1 variant allele.
Comment: FBN1: BP4, BP7

All of Us Research Program, National Institutes of Health
Classification: Likely benign for Marfan syndrome. Last evaluated: 2023-12-13. Review status: criteria provided, single submitter. Criteria: ACMG Guidelines, 2015. Collection method: clinical testing. Allele origin: germline. Inheritance: Autosomal dominant inheritance. Observed: 4 variant alleles, 4 heterozygotes.
Comment: This study involves interpretation of variants in research participants for the purpose of population health screening. Participant phenotype was not available at the time of variant classification. Additional details can be found in publication PMID: 35346344, PMCID: PMC8962531

Color Diagnostics, LLC DBA Color Health
Classification: Likely benign for Familial thoracic aortic aneurysm and aortic dissection. Last evaluated: 2022-11-06. Review status: criteria provided, single submitter. Criteria: ACMG Guidelines, 2015. Collection method: clinical testing. Allele origin: germline.

Ambry Genetics
Classification: Likely benign for Familial thoracic aortic aneurysm and aortic dissection. Last evaluated: 2021-06-18. Review status: criteria provided, single submitter. Criteria: Ambry Variant Classification Scheme 2023. Collection method: clinical testing. Allele origin: germline.

ARUP Laboratories, Molecular Genetics and Genomics, ARUP Laboratories
Classification: Likely benign. Last evaluated: 2019-04-22. Review status: criteria provided, single submitter. Criteria: ARUP Molecular Germline Variant Investigation Process. Collection method: clinical testing. Allele origin: germline.

NM_000138.5(FBN1):c.2154G>A (p.Thr718=)

Gene: FBN1 (fibrillin 1; minus strand). Cytogenetic location: 15q21.1.
Variant type: single nucleotide variant.
Coding change: c.2154G>A on transcript NM_000138.5 (MANE Select); coding-DNA position 2154, G replaced by A.
Protein change: p.Thr718=; no amino-acid change (threonine 718 retained).
Molecular consequence: synonymous variant.
Genome position (GRCh38, 1-based): chr15:48,498,998, C>T on the plus strand (G>A on the coding strand, the complement: FBN1 is on the minus strand). VCF-style: chr15-48498998-C-T. GRCh37 (hg19) VCF-style: chr15-48791195-C-T.
Identifiers: ClinVar variation 811624 (VCV000811624.36), dbSNP rs377033515, ClinGen allele CA046956.